The following is an entry in ClinVar:

NM_006744.4(RBP4):c.392C>T (p.Thr131Met)

Gene: RBP4 (retinol binding protein 4; minus strand). Cytogenetic location: 10q23.33.
Variant type: single nucleotide variant.
Coding change: c.392C>T on transcript NM_006744.4 (MANE Select); coding-DNA position 392, C replaced by T.
Protein change: p.Thr131Met; replaces threonine 131 with methionine.
Molecular consequence: missense variant.
Genome position (GRCh38, 1-based): chr10:93,593,999, G>A on the plus strand (C>T on the coding strand, the complement: RBP4 is on the minus strand). VCF-style: chr10-93593999-G-A. GRCh37 (hg19) VCF-style: chr10-95353756-G-A.
Other names: c.392C>T, p.Thr131Met (NM_001323517.1); c.386C>T, p.Thr129Met (NM_001323518.2); short protein forms T129M, T131M.
Identifiers: ClinVar variation 1408345 (VCV001408345.9), dbSNP rs577540732, ClinGen allele CA5609565.

ClinVar aggregate classification (germline): Uncertain significance (1 of 4 stars; one submission).

Allele frequency attached by ClinVar (database versions not stated): gnomAD 0.00001 and 0.00002; TOPMed 0.00001; ExAC 0.00005; 1000 Genomes Project 0.00020; 1000 Genomes Project 30x 0.00031.
gnomAD v4.1: 57 of 1,613,814 alleles (0.0035%); highest among the groups gnomAD compares: East Asian, 0.065%; no homozygotes.

Submission:

Labcorp Genetics (formerly Invitae), Labcorp
Classification: Uncertain significance. Last evaluated: 2022-08-16. Review status: criteria provided, single submitter. Criteria: Invitae Variant Classification Sherloc (09022015). Collection method: clinical testing. Allele origin: germline.
Comment: In summary, the available evidence is currently insufficient to determine the role of this variant in disease. Therefore, it has been classified as a Variant of Uncertain Significance. Algorithms developed to predict the effect of missense changes on protein structure and function are either unavailable or do not agree on the potential impact of this missense change (SIFT: "Deleterious"; PolyPhen-2: "Probably Damaging"; Align-GVGD: "Class C0"). ClinVar contains an entry for this variant (Variation ID: 1408345). This variant has not been reported in the literature in individuals affected with RBP4-related conditions. This variant is present in population databases (rs577540732, gnomAD 0.03%). This sequence change replaces threonine, which is neutral and polar, with methionine, which is neutral and non-polar, at codon 131 of the RBP4 protein (p.Thr131Met).